The following is an entry in ClinVar:

ClinVar aggregate classification (germline): Uncertain significance (1 of 4 stars; one submission).

Submission:

Labcorp Genetics (formerly Invitae), Labcorp
Classification: Uncertain significance. Last evaluated: 2022-07-19. Review status: criteria provided, single submitter. Criteria: Invitae Variant Classification Sherloc (09022015). Collection method: clinical testing. Allele origin: germline.
Comment: This sequence change replaces valine, which is neutral and non-polar, with lysine, which is basic and polar, at codon 5427 of the ADGRV1 protein (p.Val5427Lys). The frequency data for this variant in the population databases is considered unreliable, as metrics indicate poor data quality at this position in the gnomAD database. This variant has not been reported in the literature in individuals affected with ADGRV1-related conditions. ClinVar contains an entry for this variant (Variation ID: 838921). Algorithms developed to predict the effect of missense changes on protein structure and function output the following: SIFT: "Not Available"; PolyPhen-2: "Benign"; Align-GVGD: "Not Available". The lysine amino acid residue is found in multiple mammalian species, which suggests that this missense change does not adversely affect protein function. In summary, the available evidence is currently insufficient to determine the role of this variant in disease. Therefore, it has been classified as a Variant of Uncertain Significance.

NM_032119.4(ADGRV1):c.16279_16280delinsAA (p.Val5427Lys)

Gene: ADGRV1 (adhesion G protein-coupled receptor V1; plus strand). Cytogenetic location: 5q14.3.
Variant type: Indel.
Coding change: c.16279_16280delinsAA on transcript NM_032119.4 (MANE Select); coding-DNA positions 16279 to 16280, GT replaced by AA.
Protein change: p.Val5427Lys; replaces valine 5427 with lysine.
Molecular consequence: missense variant. On other transcripts: non-coding transcript variant (1).
Genome position (GRCh38, 1-based): chr5:90,823,507-90,823,508, GT replaced by AA. VCF-style: chr5-90823507-GT-AA. GRCh37 (hg19) VCF-style: chr5-90119324-GT-AA.
Other names: short protein forms V5427K.
Identifiers: ClinVar variation 838921 (VCV000838921.7), dbSNP rs1763793134, ClinGen allele CA916082738.